The following is an entry in ClinVar:

ClinVar aggregate classification (germline): Pathogenic/Likely pathogenic. Review status: criteria provided, multiple submitters, no conflicts (2 of 4 stars). 6 submissions from 6 submitters: Pathogenic (1); Likely pathogenic (4). 1 of the submissions does not count toward it. Last evaluated 2023-11-04.

Conditions:
Retinitis pigmentosa 39 (RP39). Identifiers: Orphanet 791, MedGen C3151138, MONDO:0013436, OMIM 613809.
Autosomal recessive retinitis pigmentosa. Identifiers: MedGen C0339526.
Usher syndrome type 2A. Also called: RETINAL DISEASE IN USHER SYNDROME TYPE IIA, MODIFIER OF; USHER SYNDROME, TYPE IIA. Identifiers: Orphanet 231178, Orphanet 886, MedGen C1848634, MONDO:0010169, OMIM 276901.
Usher syndrome. Also called: Usher Syndromes; Usher's syndrome. Identifiers: Orphanet 886, MedGen CN469326, MeSH D052245, MONDO:0019501. Disease mechanism: loss of function.
Retinal dystrophy. Also called: Inherited retinal dystrophy. Identifiers: Orphanet 71862, MedGen C0854723, MeSH D058499, MONDO:0019118, HP:0000556.

Submissions (6):

Genome-Nilou Lab
Classification: Likely pathogenic for Usher syndrome type 2A. Last evaluated: 2023-11-04. Review status: criteria provided, single submitter. Criteria: ACMG Guidelines, 2015. Collection method: clinical testing. Allele origin: germline. Affected: no.

Women's Health and Genetics/Laboratory Corporation of America, LabCorp
Classification: Likely pathogenic for Usher syndrome. Last evaluated: 2023-07-07. Review status: criteria provided, single submitter. Criteria: LabCorp Variant Classification Summary - May 2015. Collection method: clinical testing. Allele origin: germline.
Comment: Variant summary: USH2A c.842C>A (p.Thr281Lys) results in a non-conservative amino acid change located in the LamG-like jellyroll fold (IPR006558) and N-terminal (IPR008211) domains of the encoded protein sequence. Four of five in-silico tools predict a damaging effect of the variant on protein function. The variant was absent in 250902 control chromosomes (gnomAD). The available data on variant occurrences in the general population are insufficient to allow any conclusion about variant significance. c.842C>A has been reported in the literature in both homozygous and compound heterozygous individuals affected with Usher Syndrome (e.g., LeQuesneStabej_2012, Ge_2015, Patel_2016). These data indicate that the variant is likely to be associated with disease. To our knowledge, no experimental evidence demonstrating an impact on protein function has been reported. The following publications have been ascertained in the context of this evaluation (PMID: 26667666, 26355662, 22135276). Two submitters have reported clinical-significance assessments for this variant to ClinVar after 2014, and both submitters classified the variant as pathogenic. Based on the evidence outlined above, the variant was classified as likely pathogenic.

Institute of Human Genetics, Univ. Regensburg, Univ. Regensburg
Classification: Likely pathogenic for Retinal dystrophy. Last evaluated: 2023-01-01. Review status: criteria provided, single submitter. Criteria: ACMG Guidelines, 2015. Collection method: clinical testing. Allele origin: germline. Affected: yes.

Labcorp Genetics (formerly Invitae), Labcorp
Classification: Pathogenic. Last evaluated: 2022-11-29. Review status: criteria provided, single submitter. Criteria: Invitae Variant Classification Sherloc (09022015). Collection method: clinical testing. Allele origin: germline.
Comment: Advanced modeling of protein sequence and biophysical properties (such as structural, functional, and spatial information, amino acid conservation, physicochemical variation, residue mobility, and thermodynamic stability) has been performed at Invitae for this missense variant, however the output from this modeling did not meet the statistical confidence thresholds required to predict the impact of this variant on USH2A protein function. This sequence change replaces threonine, which is neutral and polar, with lysine, which is basic and polar, at codon 281 of the USH2A protein (p.Thr281Lys). This variant is not present in population databases (gnomAD no frequency). This missense change has been observed in individual(s) with inherited retinal dystrophy and/or Usher syndrome (PMID: 22135276, 26355662, 26667666). ClinVar contains an entry for this variant (Variation ID: 979017). This variant disrupts the p.Thr281 amino acid residue in USH2A. Other variant(s) that disrupt this residue have been observed in individuals with USH2A-related conditions (PMID: 26856745, 30902645), which suggests that this may be a clinically significant amino acid residue. For these reasons, this variant has been classified as Pathogenic.

Baylor Genetics
Classification: Likely pathogenic for Retinitis pigmentosa 39. Last evaluated: 2022-01-18. Review status: criteria provided, single submitter. Criteria: ACMG Guidelines, 2015. Collection method: clinical testing. Allele origin: unknown.

Faculty of Health Sciences, Beirut Arab University
Classification: Pathogenic for Autosomal recessive Retinitis Pigmentosa. Last evaluated: 2015-09-10. Review status: no assertion criteria provided. Collection method: literature only. Allele origin: germline. Affected: yes. Observed: 1 variant allele. Not counted in ClinVar's aggregate classification.

Literature cited by the submitters: PubMed 22135276 (cited by 3 submitters); PubMed 26355662 (cited by 4 submitters); PubMed 26667666 (cited by 3 submitters); PubMed 26856745 (cited by Labcorp Genetics (formerly Invitae), Labcorp); PubMed 30902645 (cited by Labcorp Genetics (formerly Invitae), Labcorp).

NM_206933.4(USH2A):c.842C>A (p.Thr281Lys)

Gene: USH2A (usherin; minus strand). Cytogenetic location: 1q41.
Variant type: single nucleotide variant.
Coding change: c.842C>A on transcript NM_206933.4 (MANE Select); coding-DNA position 842, C replaced by A.
Protein change: p.Thr281Lys; replaces threonine 281 with lysine.
Molecular consequence: missense variant.
Genome position (GRCh38, 1-based): chr1:216,327,597, G>T on the plus strand (C>A on the coding strand, the complement: USH2A is on the minus strand). VCF-style: chr1-216327597-G-T. GRCh37 (hg19) VCF-style: chr1-216500939-G-T.
Other names: c.842C>A, p.Thr281Lys (NM_007123.6); short protein forms T281K.
Identifiers: ClinVar variation 979017 (VCV000979017.10), dbSNP rs2037760415, ClinGen allele CA344912812.